The following is an entry in ClinVar:

NM_001102401.4(TTI2):c.750C>T (p.Pro250=)

Gene: TTI2 (TELO2 interacting protein 2; minus strand). Cytogenetic location: 8p12.
Variant type: single nucleotide variant.
Coding change: c.750C>T on transcript NM_001102401.4 (MANE Select); coding-DNA position 750, C replaced by T.
Protein change: p.Pro250=; no amino-acid change (proline 250 retained).
Molecular consequence: synonymous variant.
Genome position (GRCh38, 1-based): chr8:33,509,830, G>A on the plus strand (C>T on the coding strand, the complement: TTI2 is on the minus strand). VCF-style: chr8-33509830-G-A. GRCh37 (hg19) VCF-style: chr8-33367348-G-A.
Other names: c.750C>T, p.Pro250= (NM_001265581.2, NM_001330505.3, NM_025115.5); c.750C>T (NM_001102401.2).
Identifiers: ClinVar variation 2658533 (VCV002658533.25), dbSNP rs138257989, ClinGen allele CA4707267.

ClinVar aggregate classification (germline): Likely benign. Review status: criteria provided, single submitter (1 of 4 stars). 2 submissions from 2 submitters: Likely benign (1). 1 of the submissions does not count toward it. Last evaluated 2022-05-01.

Conditions:
TTI2-related disorder. Also called: TTI2-related condition.

Allele frequency attached by ClinVar (database versions not stated): 1000 Genomes Project 30x 0.00016; 1000 Genomes Project 0.00020; TOPMed 0.00024; gnomAD 0.00028; ESP Exome Variant Server 0.00069.
gnomAD v4.1: 155 of 1,613,958 alleles (0.0096%); highest among the groups gnomAD compares: African/African-American, 0.084%; no homozygotes.

Submissions (2):

CeGaT Center for Human Genetics Tuebingen
Classification: Likely benign. Last evaluated: 2022-05-01. Review status: criteria provided, single submitter. Criteria: CeGaT Center For Human Genetics Tuebingen Variant Classification Criteria Version 2. Collection method: clinical testing. Allele origin: germline. Affected: yes. Observed: 1 variant allele.
Comment: TTI2: BP4, BP7

PreventionGenetics, part of Exact Sciences
Classification: Likely benign for TTI2-related condition. Last evaluated: 2019-03-29. Review status: no assertion criteria provided. Collection method: clinical testing. Allele origin: germline. Not counted in ClinVar's aggregate classification.
Comment: This variant is classified as likely benign based on ACMG/AMP sequence variant interpretation guidelines (Richards et al. 2015 PMID: 25741868, with internal and published modifications).